The following is an entry in ClinVar:

NM_006445.4(PRPF8):c.1301A>G (p.His434Arg)

Gene: PRPF8 (pre-mRNA processing factor 8; minus strand). Cytogenetic location: 17p13.3.
Variant type: single nucleotide variant.
Coding change: c.1301A>G on transcript NM_006445.4 (MANE Select); coding-DNA position 1301, A replaced by G.
Protein change: p.His434Arg; replaces histidine 434 with arginine.
Molecular consequence: missense variant.
Genome position (GRCh38, 1-based): chr17:1,679,399, T>C on the plus strand (A>G on the coding strand, the complement: PRPF8 is on the minus strand). VCF-style: chr17-1679399-T-C. GRCh37 (hg19) VCF-style: chr17-1582693-T-C.
Other names: short protein forms H434R.
Identifiers: ClinVar variation 3652039 (VCV003652039.2).

ClinVar aggregate classification (germline): Uncertain significance (1 of 4 stars; one submission).

gnomAD v4.1: 6 of 1,612,688 alleles (0.00037%); highest among the groups gnomAD compares: Non-Finnish European, 0.00042%; no homozygotes.

Submission:

Labcorp Genetics (formerly Invitae), Labcorp
Classification: Uncertain significance. Last evaluated: 2024-05-27. Review status: criteria provided, single submitter. Criteria: Invitae Variant Classification Sherloc (09022015). Collection method: clinical testing. Allele origin: germline.
Comment: This sequence change replaces histidine, which is basic and polar, with arginine, which is basic and polar, at codon 434 of the PRPF8 protein (p.His434Arg). This variant is not present in population databases (gnomAD no frequency). This variant has not been reported in the literature in individuals affected with PRPF8-related conditions. Advanced modeling of protein sequence and biophysical properties (such as structural, functional, and spatial information, amino acid conservation, physicochemical variation, residue mobility, and thermodynamic stability) performed at Invitae indicates that this missense variant is not expected to disrupt PRPF8 protein function with a negative predictive value of 80%. In summary, the available evidence is currently insufficient to determine the role of this variant in disease. Therefore, it has been classified as a Variant of Uncertain Significance.